The following is an entry in ClinVar:

ClinVar aggregate classification (germline): Uncertain significance. Review status: criteria provided, multiple submitters, no conflicts (2 of 4 stars). 2 submissions from 2 submitters: Uncertain significance (2). Last evaluated 2023-04-07.

Conditions:
X-linked Opitz G/BBB syndrome (GBBB). Also called: Opitz-Frias syndrome; OPITZ BBBG SYNDROME, TYPE I; OPITZ SYNDROME, X-LINKED; OPITZ-G SYNDROME, TYPE I; MID1-Related Opitz G/BBB Syndrome. Identifiers: Orphanet 2745, MedGen C2936904, MONDO:0010222, OMIM 300000.
Inborn genetic diseases. Identifiers: MedGen C0950123, MeSH D030342.

Allele frequency attached by ClinVar (database versions not stated): gnomAD 0.00001; gnomAD exomes 0.00001 and 0.00002; TOPMed 0.00002.
gnomAD v4.1: 9 of 1,209,013 alleles (0.00074%); highest among the groups gnomAD compares: Admixed American, 0.0066%; no homozygotes.

Submissions (2):

Ambry Genetics
Classification: Uncertain significance for Inborn genetic diseases. Last evaluated: 2023-04-07. Review status: criteria provided, single submitter. Criteria: Ambry Variant Classification Scheme 2023. Collection method: clinical testing. Allele origin: germline.

Illumina Laboratory Services, Illumina
Classification: Uncertain significance for X-linked Opitz G/BBB syndrome. Last evaluated: 2020-01-14. Review status: criteria provided, single submitter. Criteria: ICSLVariantClassificationCriteria RUGD 01 April 2020. Collection method: clinical testing. Allele origin: unknown.
Comment: The MID1 c.107G>A (p.Arg36His) variant is a missense variant. A literature search was performed for the gene, cDNA change, and amino acid change. No publications were found based on this search. The variant is reported at a frequency of 0.000106 in the South Asian population of the Genome Aggregation Database, though this is based on two alleles in a region of good sequencing coverage, so the variant is presumed to be rare. One of these alleles in the Genome Aggregation Database represents a hemizygote. Based on the limited evidence, the p.Arg36His variant is classified as a variant of unknown significance for X-linked Opitz G/BBB syndrome.

NM_000381.4(MID1):c.107G>A (p.Arg36His)

Gene: MID1 (midline 1; minus strand). Cytogenetic location: Xp22.2.
Variant type: single nucleotide variant.
Coding change: c.107G>A on transcript NM_000381.4 (MANE Select); coding-DNA position 107, G replaced by A.
Protein change: p.Arg36His; replaces arginine 36 with histidine.
Molecular consequence: missense variant.
Genome position (GRCh38, 1-based): chrX:10,567,441, C>T on the plus strand (G>A on the coding strand, the complement: MID1 is on the minus strand). VCF-style: chrX-10567441-C-T. GRCh37 (hg19) VCF-style: chrX-10535481-C-T.
Other names: c.107G>A (NM_000381.3); c.107G>A, p.Arg36His (NM_001098624.2, NM_001193277.1, NM_001193278.1 and 5 more transcripts); short protein forms R36H.
Identifiers: ClinVar variation 873525 (VCV000873525.6), dbSNP rs1270080835, ClinGen allele CA412049092.
Genomic context (GRCh38, chrX:10,567,441, plus strand): 5'-CACTGGAAGGCGGTGATGGACTCCACAGACTCGTTGGTGGCACAGTGTGATACTAGGATG[C>T]GGTGGGCGCAGTTGAAGCAGAGGCTGTGTGCGCAGGGCAGTAGAAGAGGGTCCTCAAAGA-3'
Protein context (NP_000372.1, residues 26-46): AHSLCFNCAH[Arg36His]ILVSHCATNE